The following is an entry in ClinVar:

NM_001370658.1(BTD):c.941_942del (p.Ile314fs)

Gene: BTD (biotinidase; plus strand). Cytogenetic location: 3p25.1.
Variant type: Deletion.
Coding change: c.941_942del on transcript NM_001370658.1 (MANE Select); coding-DNA positions 941 to 942, 2 bases deleted (TT; older notation c.941_942delTT).
Protein change: p.Ile314fs; shifts the reading frame from isoleucine 314.
Molecular consequence: frameshift variant. On other transcripts: intron variant (6).
Genome position (GRCh38, 1-based): chr3:15,644,857-15,644,858, TT deleted. VCF-style (leftmost placement, unchanged base first): chr3-15644856-ATT-A. GRCh37 (hg19) VCF-style: chr3-15686363-ATT-A.
Other names: c.941_942del, p.Ile314fs (NM_001281723.4, NM_001281724.3, NM_001281725.3 and 18 more transcripts); c.399+2800_399+2801del (NM_001370753.1, NM_001407400.1, NM_001407380.1 and 3 more transcripts); c.1001_1002del (NM_000060.4); short protein forms I314fs.
Identifiers: ClinVar variation 553614 (VCV000553614.14), dbSNP rs749162799, ClinGen allele CA2277405.

ClinVar aggregate classification (germline): Pathogenic/Likely pathogenic. Review status: criteria provided, multiple submitters, no conflicts (2 of 4 stars). 5 submissions from 5 submitters: Pathogenic (1); Likely pathogenic (3). 1 of the submissions does not count toward it. Last evaluated 2025-03-06.

Conditions:
Biotinidase deficiency. Also called: Biotin deficiency; BTD deficiency; Late-onset biotin-responsive multiple carboxylase deficiency. Identifiers: Orphanet 79241, MedGen C0220754, MONDO:0009665, OMIM 253260.

Allele frequency attached by ClinVar (database versions not stated): ExAC 0.00001; gnomAD exomes 0.00001.

Submissions (5):

Natera, Inc.
Classification: Likely pathogenic for Biotinidase deficiency. Last evaluated: 2025-03-06. Review status: criteria provided, single submitter. Criteria: Natera Variant Classification Schema (03/2026). Collection method: clinical testing. Allele origin: germline.
Comment: The c.941_942del variant in BTD is a frameshift variant predicted to shift the reading frame beginning at codon 314 and leads to a stop codon 19 codons downstream. This variant is expected to result in nonsense mediated decay, truncation, or a dysfunctional protein product. This variant is rare in the general population with a frequency below the threshold expected for the associated phenotype(s). Given the available evidence, this variant is classified as Likely Pathogenic.

Baylor Genetics
Classification: Likely pathogenic for Biotinidase deficiency. Last evaluated: 2023-11-02. Review status: criteria provided, single submitter. Criteria: ACMG Guidelines, 2015. Collection method: clinical testing. Allele origin: unknown.

3billion
Classification: Likely pathogenic for Biotinidase deficiency. Last evaluated: 2022-03-22. Review status: criteria provided, single submitter. Criteria: ACMG Guidelines, 2015. Collection method: clinical testing. Allele origin: germline. Affected: yes. Observed: 1 homozygote.
Comment: Frameshift: predicted to result in a loss or disruption of normal protein function through protein truncation. Multiple pathogenic variants are reported in the predicted truncated region. This variant has been reported as pathogenic (ClinVar ID: VCV000553614). The variant is observed at an extremely low frequency in the gnomAD v2.1.1 dataset (total allele frequency: 0.0000119). Therefore, this variant is classified as likely pathogenic according to the recommendation of ACMG/AMP guideline.

Labcorp Genetics (formerly Invitae), Labcorp
Classification: Pathogenic for Biotinidase deficiency. Last evaluated: 2021-11-14. Review status: criteria provided, single submitter. Criteria: Invitae Variant Classification Sherloc (09022015). Collection method: clinical testing. Allele origin: germline.
Comment: This sequence change creates a premature translational stop signal (p.Ile334Serfs*19) in the BTD gene. While this is not anticipated to result in nonsense mediated decay, it is expected to disrupt the last 210 amino acid(s) of the BTD protein. This variant is present in population databases (rs749162799, gnomAD 0.02%). This variant has not been reported in the literature in individuals affected with BTD-related conditions. ClinVar contains an entry for this variant (Variation ID: 553614). This variant disrupts a region of the BTD protein in which other variant(s) (p.Leu498Phefs*13) have been determined to be pathogenic (PMID: 17382128, 19728141, 29359854). This suggests that this is a clinically significant region of the protein, and that variants that disrupt it are likely to be disease-causing. For these reasons, this variant has been classified as Pathogenic.

Counsyl
Classification: Likely pathogenic for Biotinidase deficiency. Last evaluated: 2017-08-31. Review status: no assertion criteria provided. Collection method: clinical testing. Allele origin: unknown. Not counted in ClinVar's aggregate classification.

Literature cited by the submitters: PubMed 17382128 (cited by Labcorp Genetics (formerly Invitae), Labcorp); PubMed 19728141 (cited by Labcorp Genetics (formerly Invitae), Labcorp); PubMed 29359854 (cited by Labcorp Genetics (formerly Invitae), Labcorp).